The following is an entry in ClinVar:

ClinVar aggregate classification (germline): Conflicting classifications of pathogenicity. Review status: criteria provided, conflicting classifications (1 of 4 stars). 4 submissions from 4 submitters: Uncertain significance (2); Likely benign (1). 1 of the submissions does not count toward it. Last evaluated 2023-03-23.

Conditions:
Hereditary cancer-predisposing syndrome. Also called: Tumor predisposition; Neoplastic Syndromes, Hereditary; Hereditary Cancer Syndrome; Hereditary neoplastic syndrome. Identifiers: Orphanet 140162, MedGen C0027672, MeSH D009386, MONDO:0015356.
Hereditary breast ovarian cancer syndrome. Also called: Hereditary breast and ovarian cancer syndrome (HBOC); Hereditary breast and ovarian cancer syndrome; Hereditary breast and ovarian cancer; Hereditary breast and/or ovarian cancer syndrome; Breast and ovarian cancer; BRCA1- and BRCA2-Associated Hereditary Breast and Ovarian Cancer. Identifiers: Orphanet 145, MedGen C0677776, MeSH D061325, MONDO:0003582. Disease mechanism: loss of function.
Breast-ovarian cancer, familial, susceptibility to, 1 (BROVCA1). Also called: OVARIAN CANCER, SUSCEPTIBILITY TO; BRCA1 Hereditary Breast and Ovarian Cancer. Identifiers: Orphanet 145, MedGen C2676676, MONDO:0011450, OMIM 604370. Disease mechanism: loss of function.

Submissions (4):

University of Washington Department of Laboratory Medicine, University of Washington
Classification: Likely benign for Hereditary cancer-predisposing syndrome. Last evaluated: 2023-03-23. Review status: criteria provided, single submitter. Criteria: Dines et al. (Genet Med. 2020). Collection method: curation. Allele origin: germline.
Comment: Missense variant in a coldspot region where missense variants are very unlikely to be pathogenic (PMID:31911673).

BRCA1 coldspot (exon 11 using historical exon numbering). Reclassification based on statistical prior probability

Labcorp Genetics (formerly Invitae), Labcorp
Classification: Uncertain significance for Hereditary breast ovarian cancer syndrome. Last evaluated: 2016-08-24. Review status: criteria provided, single submitter. Criteria: Invitae Variant Classification Sherloc (09022015). Collection method: clinical testing. Allele origin: germline.
Comment: In summary, this variant is a novel missense change with uncertain impact on protein function. It has been classified as a Variant of Uncertain Significance. Algorithms developed to predict the effect of missense changes on protein structure and function do not agree on the potential impact of this missense change (SIFT: "Tolerated"; PolyPhen-2: "Probably Damaging"; Align-GVGD: "Class C0"). This variant is not present in population databases (ExAC no frequency) and has not been reported in the literature in individuals with a BRCA1-related disease. ClinVar contains an entry for this variant (Variation ID: 54609). This sequence change replaces serine with alanine at codon 864 of the BRCA1 protein (p.Ser864Ala). The serine residue is highly conserved and there is a moderate physicochemical difference between serine and alanine.

Ambry Genetics
Classification: Uncertain significance for Hereditary cancer-predisposing syndrome. Last evaluated: 2014-07-29. Review status: criteria provided, single submitter. Criteria: Ambry Variant Classification Scheme 2023. Collection method: clinical testing. Allele origin: germline.
Comment: The p.S864A variant (also known as c.2590T>G or 2709T>G), located in coding exon 9 of the BRCA1 gene, results from a T to G substitution at nucleotide position 2590. The serine at codon 864 is replaced by alanine, an amino acid with a few similar properties. This variant was previously reported in the SNPDatabase as rs80357285. This variant was not reported in population-based cohorts in the following databases: NHLBI Exome Sequencing Project (ESP) and 1000 Genomes Project. To date, this alteration has been detected with an allele frequency of approximately 0.002% (greater than 64000 alleles tested) in our clinical cohort. This amino acid position is highly conserved in available vertebrate species. In addition, this alteration is predicted to be probably damaging and deleterious by PolyPhen and SIFT in silico analyses, respectively. Since supporting evidence is limited at this time, the clinical significance of p.S864A remains unclear.

Breast Cancer Information Core (BIC) (BRCA1)
Classification: Uncertain significance for Breast-ovarian cancer, familial 1. Last evaluated: 2004-11-25. Review status: no assertion criteria provided. Collection method: clinical testing. Allele origin: germline. Affected: yes. Observed: 1 variant allele. Not counted in ClinVar's aggregate classification.

NM_007294.4(BRCA1):c.2590T>G (p.Ser864Ala)

Gene: BRCA1 (BRCA1 DNA repair associated; minus strand). Cytogenetic location: 17q21.31.
Variant type: single nucleotide variant.
Coding change: c.2590T>G on transcript NM_007294.4 (MANE Select); coding-DNA position 2590, T replaced by G.
Protein change: p.Ser864Ala; replaces serine 864 with alanine.
Molecular consequence: missense variant. On other transcripts: intron variant (137).
Genome position (GRCh38, 1-based): chr17:43,092,941, A>C on the plus strand (T>G on the coding strand, the complement: BRCA1 is on the minus strand). VCF-style: chr17-43092941-A-C. GRCh37 (hg19) VCF-style: chr17-41244958-A-C.
Other names: c.2377T>G, p.Ser793Ala (NM_001407571.1, NM_001407853.1, NM_001407894.1 and 9 more transcripts); c.2590T>G, p.Ser864Ala (NM_001407581.1, NM_001407582.1, NM_001407583.1 and 30 more transcripts); c.2587T>G, p.Ser863Ala (NM_001407587.1, NM_001407590.1, NM_001407591.1 and 22 more transcripts); c.2581T>G, p.Ser861Ala (NM_001407646.1, NM_001407647.1); c.2467T>G, p.Ser823Ala (NM_001407648.1, NM_001407664.1, NM_001407665.1 and 19 more transcripts); c.2464T>G, p.Ser822Ala (NM_001407649.1, NM_001407670.1, NM_001407671.1 and 11 more transcripts); c.2512T>G, p.Ser838Ala (NM_001407653.1, NM_001407654.1, NM_001407655.1 and 4 more transcripts); c.2509T>G, p.Ser837Ala (NM_001407659.1, NM_001407660.1, NM_001407661.1 and 1 more transcripts); and 41 more; short protein forms S864A, S817A, S776A, S796A, S797A, S823A, S696A, S736A.
Identifiers: ClinVar variation 54609 (VCV000054609.23), dbSNP rs80357285, ClinGen allele CA001702.